The following is an entry in ClinVar:

NM_015295.3(SMCHD1):c.*7A>G

Gene: SMCHD1 (structural maintenance of chromosomes flexible hinge domain containing 1; plus strand). Cytogenetic location: 18p11.32.
Variant type: single nucleotide variant.
Coding change: c.*7A>G on transcript NM_015295.3 (MANE Select); 7 bases downstream of the stop codon, A replaced by G.
Molecular consequence: 3 prime UTR variant.
Genome position (GRCh38, 1-based): chr18:2,802,559, A>G. VCF-style: chr18-2802559-A-G. GRCh37 (hg19) VCF-style: chr18-2802557-A-G.
Identifiers: ClinVar variation 448424 (VCV000448424.5), dbSNP rs140650738, ClinGen allele CA8871848.

ClinVar aggregate classification (germline): Benign/Likely benign. Review status: criteria provided, multiple submitters, no conflicts (2 of 4 stars). 4 submissions from 4 submitters: Benign (2); Likely benign (2). Last evaluated 2024-10-16.

Allele frequency attached by ClinVar (database versions not stated): gnomAD exomes 0.00079; ExAC 0.00228; 1000 Genomes Project 0.00319; ESP Exome Variant Server 0.00319; 1000 Genomes Project 30x 0.00344; gnomAD 0.00423 and 0.00458; TOPMed 0.00448.
gnomAD v4.1: 1,158 of 1,552,540 alleles (0.075%); highest among the groups gnomAD compares: African/African-American, 1.5%; 8 homozygotes.

Submissions (4):

Blueprint Genetics
Classification: Likely benign. Last evaluated: 2024-10-16. Review status: criteria provided, single submitter. Criteria: ACMG Guidelines, 2015. Collection method: clinical testing. Allele origin: germline.

GeneDx
Classification: Likely benign. Last evaluated: 2021-12-21. Review status: criteria provided, single submitter. Criteria: GeneDx Variant Classification Process June 2021. Collection method: clinical testing. Allele origin: germline. Affected: yes.
Comment: See Variant Classification Assertion Criteria.

Athena Diagnostics
Classification: Benign. Last evaluated: 2016-08-19. Review status: criteria provided, single submitter. Criteria: Athena Diagnostics Criteria. Collection method: clinical testing. Allele origin: germline.

Breakthrough Genomics
Classification: Benign. Review status: criteria provided, single submitter. Criteria: ACMG Guidelines, 2015. Collection method: not provided. Allele origin: germline. Inheritance: Autosomal dominant inheritance. Affected: yes.